The following is an entry in ClinVar:

NM_012330.4(KAT6B):c.1304T>C (p.Ile435Thr)

Gene: KAT6B (lysine acetyltransferase 6B; plus strand). Cytogenetic location: 10q22.2.
Variant type: single nucleotide variant.
Coding change: c.1304T>C on transcript NM_012330.4 (MANE Select); coding-DNA position 1304, T replaced by C.
Protein change: p.Ile435Thr; replaces isoleucine 435 with threonine.
Molecular consequence: missense variant. On other transcripts: intron variant (11).
Genome position (GRCh38, 1-based): chr10:74,975,641, T>C. VCF-style: chr10-74975641-T-C. GRCh37 (hg19) VCF-style: chr10-76735399-T-C.
Other names: c.1304T>C, p.Ile435Thr (NM_001256468.2, NM_001370136.1, NM_001370137.1 and 1 more transcripts); c.1117+187T>C (NM_001370139.1, NM_001370140.1, NM_001370141.1 and 3 more transcripts); c.846+5866T>C (NM_001370133.1); c.193-3583T>C (NM_001370134.1); c.929-1675T>C (NM_001370143.1, NM_001370144.1); c.193-13378T>C (NM_001370135.1); short protein forms I435T.
Identifiers: ClinVar variation 4999187 (VCV004999187.1).

ClinVar aggregate classification (germline): Uncertain significance (1 of 4 stars; one submission).

Conditions:
KAT6B-related disorder. Also called: KAT6B-related disorders; KAT6B-related condition.

gnomAD v4.1: 1 of 1,614,172 alleles (0.000062%); highest among the groups gnomAD compares: Non-Finnish European, 0.000085%; no homozygotes.

Submission:

PreventionGenetics, part of Exact Sciences
Classification: Uncertain significance for KAT6B-related condition. Last evaluated: 2025-06-19. Review status: criteria provided, single submitter. Criteria: ACMG Guidelines, 2015. Collection method: clinical testing. Allele origin: germline.
Comment: The KAT6B c.1304T>C variant is predicted to result in the amino acid substitution p.Ile435Thr. To our knowledge, this variant has not been reported in the literature or in a large population database (gnomAD), indicating this variant is rare. At this time, the clinical significance of this variant is uncertain due to the absence of conclusive functional and genetic evidence.